The following is an entry in ClinVar:

ClinVar aggregate classification (germline): Likely benign. Review status: criteria provided, multiple submitters, no conflicts (2 of 4 stars). 2 submissions from 2 submitters: Likely benign (2). Last evaluated 2025-11-23.

Allele frequency attached by ClinVar (database versions not stated): gnomAD exomes 0.00006; ExAC 0.00007; gnomAD 0.00010 and 0.00011; TOPMed 0.00011; ESP Exome Variant Server 0.00015; 1000 Genomes Project 30x 0.00016; 1000 Genomes Project 0.00020.
gnomAD v4.1: 51 of 1,614,140 alleles (0.0032%); highest among the groups gnomAD compares: African/African-American, 0.032%; no homozygotes.

Submissions (2):

Labcorp Genetics (formerly Invitae), Labcorp
Classification: Likely benign. Last evaluated: 2025-11-23. Review status: criteria provided, single submitter. Criteria: Invitae Variant Classification Sherloc (09022015). Collection method: clinical testing. Allele origin: germline.

GeneDx
Classification: Likely benign. Last evaluated: 2018-01-22. Review status: criteria provided, single submitter. Criteria: GeneDx Variant Classification (06012015). Collection method: clinical testing. Allele origin: germline. Affected: yes.
Comment: This variant is considered likely benign or benign based on one or more of the following criteria: it is a conservative change, it occurs at a poorly conserved position in the protein, it is predicted to be benign by multiple in silico algorithms, and/or has population frequency not consistent with disease.

NM_004407.4(DMP1):c.348C>T (p.Asp116=)

Genes: DMP1 (dentin matrix acidic phosphoprotein 1; plus strand), DMP1-AS1 (DMP1 and DSPP antisense RNA 1; minus strand). Cytogenetic location: 4q22.1.
Variant type: single nucleotide variant.
Coding change: c.348C>T on transcript NM_004407.4 (MANE Select); coding-DNA position 348, C replaced by T.
Protein change: p.Asp116=; no amino-acid change (aspartic acid 116 retained).
Molecular consequence: synonymous variant.
Genome position (GRCh38, 1-based): chr4:87,662,126, C>T. VCF-style: chr4-87662126-C-T. GRCh37 (hg19) VCF-style: chr4-88583278-C-T.
Other names: c.300C>T, p.Asp100= (NM_001079911.3).
Identifiers: ClinVar variation 515166 (VCV000515166.6), dbSNP rs147265141, ClinGen allele CA3002016.